The following is an entry in ClinVar:

NM_001009944.3(PKD1):c.4639dup (p.Arg1547fs)

Gene: PKD1 (polycystin 1, transient receptor potential channel interacting; minus strand). Cytogenetic location: 16p13.3.
Variant type: Duplication.
Coding change: c.4639dup on transcript NM_001009944.3 (MANE Select); coding-DNA position 4639, one base duplicated (C; older notation c.4639dupC).
Protein change: p.Arg1547fs; shifts the reading frame from arginine 1547.
Molecular consequence: frameshift variant.
Genome position (GRCh38, 1-based): chr16:2,110,528, G duplicated on the plus strand (C on the coding strand, the reverse complement: PKD1 is on the minus strand). VCF-style (leftmost placement, unchanged base first): chr16-2110527-C-CG. GRCh37 (hg19) VCF-style: chr16-2160528-C-CG.
Other names: c.4639dup, p.Arg1547fs (NM_000296.4); short protein forms R1547fs.
Identifiers: ClinVar variation 3381847 (VCV003381847.2).

ClinVar aggregate classification (germline): Likely pathogenic (1 of 4 stars; one submission).

Conditions:
Polycystic kidney disease, adult type (PKD1). Also called: POLYCYSTIC KIDNEY DISEASE, ADULT, TYPE I; Polycystic Kidney Disease 1, Autosomal Dominant; Polycystic kidney disease 1; Polycystic kidney disease 1, severe; Polycystic Kidney, Autosomal Dominant; POLYCYSTIC KIDNEY DISEASE 1 WITH OR WITHOUT POLYCYSTIC LIVER DISEASE. Identifiers: MedGen C3149841, MONDO:0008263, OMIM 173900.

Submission:

Juno Genomics, Hangzhou Juno Genomics, Inc
Classification: Likely pathogenic for Polycystic kidney disease, adult type. Review status: criteria provided, single submitter. Criteria: ACMG Guidelines, 2015. Collection method: clinical testing. Allele origin: germline. Affected: yes.
Comment: Null variant in a gene where loss of function (LOF) is a known mechanism of disease.;Absent from controls (or at extremely low frequency if recessive) in Genome Aggregation Database, Exome Sequencing Project, 1000 Genomes Project, or Exome Aggregation Consortium.